The following is an entry in ClinVar:

NM_004318.4(ASPH):c.34_51dup (p.Asn12_Gly17dup)

Genes: ASPH (aspartate beta-hydroxylase; minus strand), LOC130000490 (ATAC-STARR-seq lymphoblastoid silent region 19235; plus strand). Cytogenetic location: 8q12.3.
Variant type: Duplication.
Coding change: c.34_51dup on transcript NM_004318.4 (MANE Select); coding-DNA positions 34 to 51, 18 bases duplicated (AACAGCAGCAGCAGCGGC).
Protein change: p.Asn12_Gly17dup.
Molecular consequence: inframe insertion.
Genome position (GRCh38, 1-based): chr8:61,714,321-61,714,338, GCCGCTGCTGCTGCTGTT duplicated on the plus strand (AACAGCAGCAGCAGCGGC on the coding strand, the reverse complement: ASPH is on the minus strand); duplicating any 18 consecutive bases within chr8:61,714,321-61,714,347 gives the same sequence; the c. name uses the placement nearest the transcript's 3' end. VCF-style (leftmost placement, unchanged base first): chr8-61714320-A-AGCCGCTGCTGCTGCTGTT. GRCh37 (hg19) VCF-style: chr8-62626879-A-AGCCGCTGCTGCTGCTGTT.
Other names: c.34_51dup, p.Asn12_Gly17dup (NM_001164754.2, NM_001164755.2, NM_001164756.2 and 1 more transcripts); c.34_51dup18 (NM_004318.3).
Identifiers: ClinVar variation 1299120 (VCV001299120.40), dbSNP rs781622171, ClinGen allele CA4762583.

ClinVar aggregate classification (germline): Uncertain significance. Review status: criteria provided, multiple submitters, no conflicts (2 of 4 stars). 3 submissions from 3 submitters: Uncertain significance (2). 1 of the submissions does not count toward it. Last evaluated 2024-10-26.

Conditions:
ASPH-related disorder. Also called: ASPH-related condition.

Submissions (3):

Labcorp Genetics (formerly Invitae), Labcorp
Classification: Uncertain significance. Last evaluated: 2024-10-26. Review status: criteria provided, single submitter. Criteria: Invitae Variant Classification Sherloc (09022015). Collection method: clinical testing. Allele origin: germline.
Comment: This variant, c.34_51dup, results in the insertion of 6 amino acid(s) of the ASPH protein (p.Asn12_Gly17dup), but otherwise preserves the integrity of the reading frame. This variant is present in population databases (rs781622171, gnomAD 0.2%). This variant has not been reported in the literature in individuals affected with ASPH-related conditions. ClinVar contains an entry for this variant (Variation ID: 1299120). Experimental studies and prediction algorithms are not available or were not evaluated, and the functional significance of this variant is currently unknown. In summary, the available evidence is currently insufficient to determine the role of this variant in disease. Therefore, it has been classified as a Variant of Uncertain Significance.

CeGaT Center for Human Genetics Tuebingen
Classification: Uncertain significance. Last evaluated: 2021-08-01. Review status: criteria provided, single submitter. Criteria: CeGaT Center For Human Genetics Tuebingen Variant Classification Criteria Version 2. Collection method: clinical testing. Allele origin: germline. Affected: yes. Observed: 1 variant allele.

PreventionGenetics, part of Exact Sciences
Classification: Likely benign for ASPH-related condition. Last evaluated: 2022-02-23. Review status: no assertion criteria provided. Collection method: clinical testing. Allele origin: germline. Not counted in ClinVar's aggregate classification.
Comment: This variant is classified as likely benign based on ACMG/AMP sequence variant interpretation guidelines (Richards et al. 2015 PMID: 25741868, with internal and published modifications).